The following is an entry in ClinVar:

NM_004958.4(MTOR):c.6045G>T (p.Glu2015Asp)

Gene: MTOR (mechanistic target of rapamycin kinase; minus strand). Cytogenetic location: 1p36.22.
Variant type: single nucleotide variant.
Coding change: c.6045G>T on transcript NM_004958.4 (MANE Select); coding-DNA position 6045, G replaced by T.
Protein change: p.Glu2015Asp; replaces glutamic acid 2015 with aspartic acid.
Molecular consequence: missense variant.
Genome position (GRCh38, 1-based): chr1:11,127,795, C>A on the plus strand (G>T on the coding strand, the complement: MTOR is on the minus strand). VCF-style: chr1-11127795-C-A. GRCh37 (hg19) VCF-style: chr1-11187852-C-A.
Other names: c.6045G>T, p.Glu2015Asp (NM_001386500.1); c.4797G>T, p.Glu1599Asp (NM_001386501.1); short protein forms E1599D, E2015D.
Identifiers: ClinVar variation 2635154 (VCV002635154.1), dbSNP rs1642915683, ClinGen allele CA338394219.
Genomic context (GRCh38, chr1:11,127,795, plus strand): 5'-AGATGCCTCTTCCAGGCCTTCATGCCACATCTCATGCCAGAGGATGGCCACTCGGATCAG[C>A]TCCTCGCTCACCTGAAGCCAAGAGAAGAAGGAGAGAAGCATCAAGAATCAGCTAACCTCA-3'
Protein context (NP_004949.1, residues 2005-2025): LVQQAMMVSE[Glu2015Asp]LIRVAILWHE

ClinVar aggregate classification (germline): Uncertain significance (1 of 4 stars; one submission).

Conditions:
MTOR-related disorder. Also called: MTOR-related condition.

Allele frequency attached by ClinVar (database versions not stated): gnomAD exomes below 0.00001.
gnomAD v4.1: 1 of 1,612,414 alleles (0.000062%); highest among the groups gnomAD compares: Non-Finnish European, 0.000085%; no homozygotes.

Submission:

PreventionGenetics, part of Exact Sciences
Classification: Uncertain significance for MTOR-related condition. Last evaluated: 2022-10-25. Review status: criteria provided, single submitter. Criteria: ACMG Guidelines, 2015. Collection method: clinical testing. Allele origin: germline.
Comment: The MTOR c.6045G>T variant is predicted to result in the amino acid substitution p.Glu2015Asp. To our knowledge, this variant has not been reported in the literature or in a large population database, indicating this variant is rare. At this time, the clinical significance of this variant is uncertain due to the absence of conclusive functional and genetic evidence.